The following is an entry in ClinVar:

ClinVar aggregate classification (germline): Uncertain significance. Review status: criteria provided, multiple submitters, no conflicts (2 of 4 stars). 2 submissions from 2 submitters: Uncertain significance (2). Last evaluated 2024-11-27.

Conditions:
Cardiovascular phenotype. Identifiers: MedGen CN230736.

Allele frequency attached by ClinVar (database versions not stated): gnomAD 0.00001; TOPMed 0.00001; ESP Exome Variant Server 0.00008.
gnomAD v4.1: 26 of 1,613,712 alleles (0.0016%); highest among the groups gnomAD compares: South Asian, 0.0044%; no homozygotes.

Submissions (2):

Labcorp Genetics (formerly Invitae), Labcorp
Classification: Uncertain significance. Last evaluated: 2024-11-27. Review status: criteria provided, single submitter. Criteria: Invitae Variant Classification Sherloc (09022015). Collection method: clinical testing. Allele origin: germline.
Comment: This sequence change replaces arginine, which is basic and polar, with histidine, which is basic and polar, at codon 115 of the MFAP5 protein (p.Arg115His). This variant is present in population databases (rs373421193, gnomAD 0.003%). This variant has not been reported in the literature in individuals affected with MFAP5-related conditions. ClinVar contains an entry for this variant (Variation ID: 2895952). An algorithm developed to predict the effect of missense changes on protein structure and function (PolyPhen-2) suggests that this variant is likely to be disruptive. In summary, the available evidence is currently insufficient to determine the role of this variant in disease. Therefore, it has been classified as a Variant of Uncertain Significance.

Ambry Genetics
Classification: Uncertain significance for Cardiovascular phenotype. Last evaluated: 2024-03-27. Review status: criteria provided, single submitter. Criteria: Ambry Variant Classification Scheme 2023. Collection method: clinical testing. Allele origin: germline.
Comment: The p.R115H variant (also known as c.344G>A), located in coding exon 8 of the MFAP5 gene, results from a G to A substitution at nucleotide position 344. The arginine at codon 115 is replaced by histidine, an amino acid with highly similar properties. This amino acid position is conserved. In addition, the in silico prediction for this alteration is inconclusive. Based on the available evidence, the clinical significance of this alteration remains unclear.

NM_003480.4(MFAP5):c.344G>A (p.Arg115His)

Gene: MFAP5 (microfibril associated protein 5; minus strand). Cytogenetic location: 12p13.31.
Variant type: single nucleotide variant.
Coding change: c.344G>A on transcript NM_003480.4 (MANE Select); coding-DNA position 344, G replaced by A.
Protein change: p.Arg115His; replaces arginine 115 with histidine.
Molecular consequence: missense variant. On other transcripts: non-coding transcript variant (2), intron variant (1).
Genome position (GRCh38, 1-based): chr12:8,649,566, C>T on the plus strand (G>A on the coding strand, the complement: MFAP5 is on the minus strand). VCF-style: chr12-8649566-C-T. GRCh37 (hg19) VCF-style: chr12-8802162-C-T.
Other names: c.344G>A (NM_003480.2); c.314G>A, p.Arg105His (NM_001297709.2); c.278G>A, p.Arg93His (NM_001297710.2); c.269G>A, p.Arg90His (NM_001297711.2); c.218-1363G>A (NM_001297712.2); short protein forms R115H, R90H, R93H, R105H.
Identifiers: ClinVar variation 2895952 (VCV002895952.4), dbSNP rs373421193, ClinGen allele CA232305838.